The following is an entry in ClinVar:

ClinVar aggregate classification (germline): Uncertain significance (1 of 4 stars; one submission).

Conditions:
Neurofibromatosis, type 1 (NF1). Also called: NEUROFIBROMATOSIS, TYPE I, SOMATIC; VON RECKLINGHAUSEN DISEASE; Peripheral type neurofibromatosis; Neurofibromatosis, type I. Identifiers: Orphanet 636, MedGen C0027831, MONDO:0018975, OMIM 162200. Disease mechanism: loss of function.

Submission:

Labcorp Genetics (formerly Invitae), Labcorp
Classification: Uncertain significance for Neurofibromatosis, type 1. Last evaluated: 2021-05-28. Review status: criteria provided, single submitter. Criteria: Invitae Variant Classification Sherloc (09022015). Collection method: clinical testing. Allele origin: germline.
Comment: This sequence change replaces methionine with arginine at codon 747 of the NF1 protein (p.Met747Arg). The methionine residue is moderately conserved and there is a moderate physicochemical difference between methionine and arginine. This variant is not present in population databases (ExAC no frequency). This variant has not been reported in the literature in individuals with NF1-related conditions. Advanced modeling of protein sequence and biophysical properties (such as structural, functional, and spatial information, amino acid conservation, physicochemical variation, residue mobility, and thermodynamic stability) performed at Invitae indicates that this missense variant is expected to disrupt NF1 protein function. Algorithms developed to predict the effect of sequence changes on RNA splicing suggest that this variant may create or strengthen a splice site, but this prediction has not been confirmed by published transcriptional studies. In summary, the available evidence is currently insufficient to determine the role of this variant in disease. Therefore, it has been classified as a Variant of Uncertain Significance.

NM_001042492.3(NF1):c.2240T>G (p.Met747Arg)

Gene: NF1 (neurofibromin 1; plus strand). Cytogenetic location: 17q11.2.
Variant type: single nucleotide variant.
Coding change: c.2240T>G on transcript NM_001042492.3 (MANE Select); coding-DNA position 2240, T replaced by G.
Protein change: p.Met747Arg; replaces methionine 747 with arginine.
Molecular consequence: missense variant.
Genome position (GRCh38, 1-based): chr17:31,226,673, T>G. VCF-style: chr17-31226673-T-G. GRCh37 (hg19) VCF-style: chr17-29553691-T-G.
Other names: c.2240T>G, p.Met747Arg (NM_000267.4); short protein forms M747R.
Identifiers: ClinVar variation 1449073 (VCV001449073.8), dbSNP rs2151426144, ClinGen allele CA398982571.